The following is an entry in ClinVar:

NM_181882.3(PRX):c.4270G>C (p.Gly1424Arg)

Gene: PRX (periaxin; minus strand). Cytogenetic location: 19q13.2.
Variant type: single nucleotide variant.
Coding change: c.4270G>C on transcript NM_181882.3 (MANE Select); coding-DNA position 4270, G replaced by C.
Protein change: p.Gly1424Arg; replaces glycine 1424 with arginine.
Molecular consequence: missense variant. On other transcripts: 3 prime UTR variant (1).
Genome position (GRCh38, 1-based): chr19:40,394,082, C>G on the plus strand (G>C on the coding strand, the complement: PRX is on the minus strand). VCF-style: chr19-40394082-C-G. GRCh37 (hg19) VCF-style: chr19-40899989-C-G.
Other names: c.*4475G>C (NM_020956.2); short protein forms G1424R.
Identifiers: ClinVar variation 640692 (VCV000640692.9), dbSNP rs754032938, ClinGen allele CA9443650.

ClinVar aggregate classification (germline): Uncertain significance (1 of 4 stars; one submission).

Conditions:
Charcot-Marie-Tooth disease type 4. Also called: Charcot-Marie-Tooth disease, type IV; Charcot-Marie-Tooth, Type 4. Identifiers: Orphanet 64749, MedGen C4082197, MONDO:0018995.

Allele frequency attached by ClinVar (database versions not stated): ExAC 0.00001; gnomAD 0.00001; gnomAD exomes 0.00002; TOPMed 0.00004.
gnomAD v4.1: 45 of 1,611,320 alleles (0.0028%); highest among the groups gnomAD compares: Admixed American, 0.005%; no homozygotes.

Submission:

Labcorp Genetics (formerly Invitae), Labcorp
Classification: Uncertain significance for Charcot-Marie-Tooth disease type 4. Last evaluated: 2025-11-25. Review status: criteria provided, single submitter. Criteria: Invitae Variant Classification Sherloc (09022015). Collection method: clinical testing. Allele origin: germline.
Comment: This sequence change replaces glycine, which is neutral and non-polar, with arginine, which is basic and polar, at codon 1424 of the PRX protein (p.Gly1424Arg). This variant is present in population databases (rs754032938, gnomAD 0.004%). This variant has not been reported in the literature in individuals affected with PRX-related conditions. ClinVar contains an entry for this variant (Variation ID: 640692). Invitae Evidence Modeling of protein sequence and biophysical properties (such as structural, functional, and spatial information, amino acid conservation, physicochemical variation, residue mobility, and thermodynamic stability) indicates that this missense variant is not expected to disrupt PRX protein function with a negative predictive value of 80%. In summary, the available evidence is currently insufficient to determine the role of this variant in disease. Therefore, it has been classified as a Variant of Uncertain Significance.